The following is an entry in ClinVar:

NM_000157.4(GBA1):c.1297G>T (p.Val433Leu)

Genes: GBA1 (glucosylceramidase beta 1; minus strand), LOC106627981 (GBA recombination region; plus strand). Cytogenetic location: 1q22.
Variant type: single nucleotide variant.
Coding change: c.1297G>T on transcript NM_000157.4 (MANE Select); coding-DNA position 1297, G replaced by T.
Protein change: p.Val433Leu; replaces valine 433 with leucine.
Molecular consequence: missense variant.
Genome position (GRCh38, 1-based): chr1:155,235,772, C>A on the plus strand (G>T on the coding strand, the complement: GBA1 is on the minus strand). VCF-style: chr1-155235772-C-A. GRCh37 (hg19) VCF-style: chr1-155205563-C-A.
Other names: V394L; c.1297G>T, p.Val433Leu (NM_001005741.3, NM_001005742.3); c.1036G>T, p.Val346Leu (NM_001171811.2); c.1150G>T, p.Val384Leu (NM_001171812.2); c.1297G>T (NM_000157.3, NM_001005742.2); short protein forms V433L, V384L, V346L.
Identifiers: ClinVar variation 4292 (VCV000004292.61), dbSNP rs80356769, ClinGen allele CA253059.

ClinVar aggregate classification (germline): Pathogenic/Likely pathogenic. Review status: criteria provided, multiple submitters, no conflicts (2 of 4 stars). 12 submissions from 10 submitters: Pathogenic (8); Likely pathogenic (1). 3 of the submissions do not count toward it. Last evaluated 2026-01-14.

Conditions:
GBA-related disorder. Also called: GBA-related disorders.
Gaucher disease type III. Also called: Subacute neuronopathic Gaucher's disease; GAUCHER DISEASE, CHRONIC NEURONOPATHIC TYPE; GAUCHER DISEASE, JUVENILE AND ADULT, CEREBRAL; GAUCHER DISEASE, SUBACUTE NEURONOPATHIC TYPE; GD III; Gaucher Disease, Type 3. Identifiers: Orphanet 355, Orphanet 77261, MedGen C0268251, MONDO:0009267, OMIM 231000.
Gaucher disease-ophthalmoplegia-cardiovascular calcification syndrome. Also called: GAUCHER DISEASE, TYPE IIIC. Identifiers: Orphanet 2072, MedGen C1856476, MONDO:0009268, OMIM 231005.
Gaucher disease type I (GD1). Also called: GD 1; ACID BETA-GLUCOSIDASE DEFICIENCY; Gaucher's disease, type 1; GAUCHER DISEASE, NONCEREBRAL JUVENILE; GBA DEFICIENCY; GD I. Identifiers: Orphanet 355, Orphanet 77259, MedGen C1961835, MONDO:0009265, OMIM 230800.
Gaucher disease type II (GD2). Also called: Acute neuronopathic Gaucher's disease; GAUCHER DISEASE, ACUTE NEURONOPATHIC TYPE; GD II; Type 2 Gaucher disease (Acute; Infantile). Identifiers: Orphanet 77260, MedGen C0268250, MONDO:0009266, OMIM 230900.
Parkinson disease, late-onset (PD). Also called: Hereditary late onset Parkinson disease; PARKINSON DISEASE, LATE-ONSET, SUSCEPTIBILITY TO; Susceptibility to Parkinson's Disease. Identifiers: Orphanet 411602, MedGen C3160718, MONDO:0008199, OMIM 168600.
Gaucher disease perinatal lethal. Also called: Gaucher disease collodion type; Gaucher Disease, Perinatal-Lethal Form. Identifiers: Orphanet 85212, MedGen C1842704, MONDO:0011945, OMIM 608013.
Lewy body dementia (DLB). Also called: Lewy Body Disease. Identifiers: MedGen C0752347, MONDO:0007488, OMIM 127750.
Gaucher disease. Also called: Acute cerebral Gaucher disease; Cerebroside lipidosis syndrome; Gaucher splenomegaly; Sphingolipidosis 1; Glucocerebrosidosis; Glucosylceramidase deficiency. Identifiers: Orphanet 355, MedGen C0017205, MONDO:0018150.

Allele frequency attached by ClinVar (database versions not stated): TOPMed below 0.00001; gnomAD 0.00001; gnomAD exomes 0.00001 and 0.00003; ExAC 0.00003.
gnomAD v4.1: 16 of 1,614,120 alleles (0.00099%); no homozygotes.

Submissions (12):

Natera, Inc.
Classification: Pathogenic for Gaucher disease. Last evaluated: 2026-01-14. Review status: criteria provided, single submitter. Criteria: Natera Variant Classification Schema (03/2026). Collection method: clinical testing. Allele origin: germline.
Comment: The c.1297G>T variant in GBA1 is a missense variant predicted to cause substitution of valine to leucine at amino acid 433. This variant is rare in the general population with a frequency below the threshold expected for the associated phenotype(s). This variant has been observed in one or more individuals affected with the associated recessive disease, as either homozygous or compound heterozygous with a second variant (PMID: 12522789, 15857183, 28185830). Given the available evidence, this variant is classified as Pathogenic.

Labcorp Genetics (formerly Invitae), Labcorp
Classification: Pathogenic. Last evaluated: 2026-01-13. Review status: criteria provided, single submitter. Criteria: Invitae Variant Classification Sherloc (09022015). Collection method: clinical testing. Allele origin: germline.
Comment: This sequence change replaces valine, which is neutral and non-polar, with leucine, which is neutral and non-polar, at codon 433 of the GBA protein (p.Val433Leu). This variant is present in population databases (rs80356769, gnomAD 0.07%). This missense change has been observed in individual(s) with Gaucher disease and Parkinson's disease (PMID: 10714667, 24685312, 25653295, 27271787). This variant is also known as p.Val394Leu or V394L. ClinVar contains an entry for this variant (Variation ID: 4292). Invitae Evidence Modeling of protein sequence and biophysical properties (such as structural, functional, and spatial information, amino acid conservation, physicochemical variation, residue mobility, and thermodynamic stability) indicates that this missense variant is not expected to disrupt GBA protein function with a negative predictive value of 80%. Experimental studies have shown that this missense change affects GBA function (PMID: 8294487, 14578207, 21257328). For these reasons, this variant has been classified as Pathogenic.

Blueprint Genetics
Classification: Pathogenic for GBA-related disorders. Last evaluated: 2023-07-26. Review status: criteria provided, single submitter. Criteria: ACMG Guidelines, 2015. Collection method: clinical testing. Allele origin: germline. Affected: yes. Observed: 3 variant alleles.

Revvity Omics, Revvity
Classification: Pathogenic. Last evaluated: 2022-03-10. Review status: criteria provided, single submitter. Criteria: ACMG Guidelines, 2015. Collection method: clinical testing. Allele origin: germline.

Fulgent Genetics
Classification: Pathogenic for Lewy body dementia; Parkinson disease, late-onset; Gaucher disease type I; Gaucher disease type II; Gaucher disease type III; Gaucher disease-ophthalmoplegia-cardiovascular calcification syndrome; Gaucher disease perinatal lethal. Last evaluated: 2021-11-02. Review status: criteria provided, single submitter. Criteria: ACMG Guidelines, 2015. Collection method: clinical testing. Allele origin: unknown.

Fulgent Genetics
Classification: Pathogenic for Parkinson disease, late-onset. Last evaluated: 2021-05-03. Review status: criteria provided, single submitter. Criteria: ACMG Guidelines, 2015. Collection method: clinical testing. Allele origin: germline. Affected: yes.

Myriad Genetics, Inc.
Classification: Likely pathogenic for Gaucher disease type I. Last evaluated: 2019-12-11. Review status: criteria provided, single submitter. Criteria: Myriad Women's Health Autosomal Recessive and X-Linked Classification Criteria (2019). Collection method: clinical testing. Allele origin: unknown.
Comment: NM_001005741.2(GBA):c.1297G>T(V433L, aka V394L) is classified as likely pathogenic in the context of Gaucher disease and can be associated with Type 1, 2 or 3. Sources cited for classification include the following: PMID 10796875, 8294487, 16293621, 2508065, 21257328 and 12595585. Classification of NM_001005741.2(GBA):c.1297G>T(V433L, aka V394L) is based on the following criteria: This variant has been observed more frequently in patients with clinical diagnoses than in healthy populations. Please note: this variant was assessed in the context of healthy population screening.

Women's Health and Genetics/Laboratory Corporation of America, LabCorp
Classification: Pathogenic for Gaucher disease. Last evaluated: 2017-05-08. Review status: criteria provided, single submitter. Criteria: LabCorp Variant Classification Summary - May 2015. Collection method: clinical testing. Allele origin: germline.
Comment: Variant summary: The GBA c.1297G>T (p.Val433Leu) variant (alternatively also known as V394L) involves the alteration of a conserved nucleotide, is located in TIM-barrel domain of the protein (InterPro) and is predicted to be damaging by 2/4 in silico tools (SNPsandGO not captured due to low reliability index). This variant was found in 4/120330 control chromosomes from ExAC at a frequency of 0.0000332, which does not exceed the estimated maximal expected allele frequency of a pathogenic GBA variant (0.005). The variant is one of the common pathogenic variants in Ashkenazi population (Beutler_1993, Elstein_2005, and Orenstein_2014). In a genotype-phenotype study (Elstein_2005) that included N370S/V394L compound heterozygotes, most of the patients had mild disease; only 8 patients required specific enzyme therapy, none was splenectomized. Only 3 patients had skeletal involvement, but other baseline parameters were very diverse. Authors note that although genotype-phenotype correlation in this case may be difficult, because the V394L mutation when seen in a compound heterozygote with a null allele results in neuronopathic disease, one cannot conclude that this mutation is protective of neuronopathic disease. Patients carrying this variant in homozygous state have not been reported so far. Functional studies in insect cell system and mouse models have shown that the variant leads to severe decrease in enzymatic activity (11-15 % of wildtype activity) and neurological phenotype is recapitulated in transgenic mice carrying this variant (Grace_1994, Liou_2006, Xu_2011). Multiple clinical diagnostic laboratories/reputable databases have classified this variant as likely pathogenic/pathogenic. Taken together, this variant is classified as pathogenic.

Baylor Genetics
Classification: Pathogenic for Gaucher disease type I; Gaucher disease type II; Gaucher disease type III; Gaucher disease-ophthalmoplegia-cardiovascular calcification syndrome. Review status: criteria provided, single submitter. Criteria: ACMG Guidelines, 2015. Collection method: clinical testing. Allele origin: germline.

OMIM
Classification: Pathogenic for GAUCHER DISEASE, TYPE III. Last evaluated: 1991-01-01. Review status: no assertion criteria provided. Collection method: literature only. Allele origin: germline. Not counted in ClinVar's aggregate classification.

OMIM
Classification: Pathogenic for GAUCHER DISEASE, TYPE I. Last evaluated: 1991-01-01. Review status: no assertion criteria provided. Collection method: literature only. Allele origin: germline. Not counted in ClinVar's aggregate classification.

GeneReviews
No classification provided. Condition: Gaucher disease. Review status: no classification provided. Collection method: literature only. Allele origin: germline. Not counted in ClinVar's aggregate classification.

Literature cited by the submitters: PubMed 12522789 (cited by Natera, Inc.); PubMed 15857183 (cited by Natera, Inc.); PubMed 28185830 (cited by Natera, Inc.); PubMed 10714667 (cited by Labcorp Genetics (formerly Invitae), Labcorp); PubMed 24685312 (cited by Labcorp Genetics (formerly Invitae), Labcorp and Women's Health and Genetics/Laboratory Corporation of America, LabCorp); PubMed 25653295 (cited by Labcorp Genetics (formerly Invitae), Labcorp); PubMed 27271787 (cited by Labcorp Genetics (formerly Invitae), Labcorp); PubMed 8294487 (cited by 3 submitters); PubMed 14578207 (cited by Labcorp Genetics (formerly Invitae), Labcorp); PubMed 21257328 (cited by Labcorp Genetics (formerly Invitae), Labcorp and Myriad Genetics, Inc.); PubMed 10796875 (cited by Myriad Genetics, Inc.); PubMed 16293621 (cited by Myriad Genetics, Inc.); PubMed 2508065 (cited by Myriad Genetics, Inc. and Women's Health and Genetics/Laboratory Corporation of America, LabCorp); PubMed 12595585 (cited by Myriad Genetics, Inc.); PubMed 2502917 (cited by OMIM); PubMed 1899336 (cited by OMIM).